The following is an entry in ClinVar:

ClinVar aggregate classification (germline): Benign/Likely benign. Review status: criteria provided, multiple submitters, no conflicts (2 of 4 stars). 4 submissions from 4 submitters: Benign (1); Likely benign (3). Last evaluated 2025-11-09.

Conditions:
Hereditary cancer-predisposing syndrome. Also called: Neoplastic Syndromes, Hereditary; Hereditary Cancer Syndrome; Hereditary neoplastic syndrome; Tumor predisposition. Identifiers: Orphanet 140162, MedGen C0027672, MeSH D009386, MONDO:0015356.
Multiple endocrine neoplasia, type 2 (MEN2). Identifiers: Orphanet 653, MedGen C4048306, MONDO:0019003. Disease mechanism: gain of function.
Multiple endocrine neoplasia type 2A. Also called: MULTIPLE ENDOCRINE NEOPLASIA, TYPE IIA; PTC SYNDROME; SIPPLE SYNDROME; MEN 2A; MEN-2A syndrome; Pheochromocytoma and amyloid producing medullary thyroid carcinoma. Identifiers: Orphanet 247698, Orphanet 653, MedGen C0025268, MeSH D018813, MONDO:0008234, OMIM 171400.

Allele frequency attached by ClinVar (database versions not stated): gnomAD exomes below 0.00001.
gnomAD v4.1: 2 of 1,613,416 alleles (0.00012%); highest among the groups gnomAD compares: Non-Finnish European, 0.00017%; no homozygotes.

Submissions (4):

Labcorp Genetics (formerly Invitae), Labcorp
Classification: Likely benign for Multiple endocrine neoplasia, type 2. Last evaluated: 2025-11-09. Review status: criteria provided, single submitter. Criteria: Invitae Variant Classification Sherloc (09022015). Collection method: clinical testing. Allele origin: germline.

Myriad Genetics, Inc.
Classification: Benign for Multiple endocrine neoplasia type 2A. Last evaluated: 2025-02-26. Review status: criteria provided, single submitter. Criteria: Myriad Autosomal Dominant, Autosomal Recessive and X-Linked Classification Criteria (2023). Collection method: clinical testing. Allele origin: unknown.
Comment: This variant is considered benign. This variant is a silent/synonymous amino acid change and it is not expected to impact splicing.

All of Us Research Program, National Institutes of Health
Classification: Likely benign for Multiple endocrine neoplasia, type 2. Last evaluated: 2023-09-17. Review status: criteria provided, single submitter. Criteria: ACMG Guidelines, 2015. Collection method: clinical testing. Allele origin: germline. Inheritance: Autosomal dominant inheritance. Observed: 2 variant alleles, 2 heterozygotes.
Comment: This study involves interpretation of variants in research participants for the purpose of population health screening. Participant phenotype was not available at the time of variant classification. Additional details can be found in publication PMID: 35346344, PMCID: PMC8962531

Ambry Genetics
Classification: Likely benign for Hereditary cancer-predisposing syndrome. Last evaluated: 2019-10-13. Review status: criteria provided, single submitter. Criteria: Ambry Variant Classification Scheme 2023. Collection method: clinical testing. Allele origin: germline.

NM_020975.6(RET):c.1842G>A (p.Glu614=)

Gene: RET (ret proto-oncogene; plus strand). Cytogenetic location: 10q11.21.
Variant type: single nucleotide variant.
Coding change: c.1842G>A on transcript NM_020975.6 (MANE Select); coding-DNA position 1842, G replaced by A.
Protein change: p.Glu614=; no amino-acid change (glutamic acid 614 retained).
Molecular consequence: synonymous variant. On other transcripts: intron variant (2).
Genome position (GRCh38, 1-based): chr10:43,113,638, G>A. VCF-style: chr10-43113638-G-A. GRCh37 (hg19) VCF-style: chr10-43609086-G-A.
Other names: c.1842G>A, p.Glu614= (NM_000323.2, NM_001406743.1, NM_001406744.1 and 6 more transcripts); c.1080G>A, p.Glu360= (NM_001355216.2); c.1713G>A, p.Glu571= (NM_001406761.1, NM_001406762.1, NM_001406764.1 and 1 more transcripts); c.1554G>A, p.Glu518= (NM_001406766.1, NM_001406767.1, NM_001406770.1); c.1446G>A, p.Glu482= (NM_001406769.1, NM_001406772.1); c.1404G>A, p.Glu468= (NM_001406771.1, NM_001406773.1); c.1317G>A, p.Glu439= (NM_001406774.1); c.1116G>A, p.Glu372= (NM_001406775.1, NM_001406776.1, NM_001406777.1 and 1 more transcripts); and 7 more.
Identifiers: ClinVar variation 1059010 (VCV001059010.12), dbSNP rs1423361859, ClinGen allele CA469027878.
Genomic context (GRCh38, chr10:43,113,638, plus strand): 5'-CGAGCCTGGGGAGCCCCGGGGGATTAAAGCTGGCTATGGCACCTGCAACTGCTTCCCTGA[G>A]GAGGAGAAGTGCTTCTGCGAGCCCGAAGACATCCAGGGTGAGTGGGTGGCGGCCGGGACC-3'
Protein context (NP_066124.1, residues 604-624): AGYGTCNCFP[Glu614=]EEKCFCEPED